The following is an entry in ClinVar:

NM_001370259.2(MEN1):c.1479G>A (p.Pro493=)

Gene: MEN1 (menin 1; minus strand). Cytogenetic location: 11q13.1.
Variant type: single nucleotide variant.
Coding change: c.1479G>A on transcript NM_001370259.2 (MANE Select); coding-DNA position 1479, G replaced by A.
Protein change: p.Pro493=; no amino-acid change (proline 493 retained).
Molecular consequence: synonymous variant.
Genome position (GRCh38, 1-based): chr11:64,804,688, C>T on the plus strand (G>A on the coding strand, the complement: MEN1 is on the minus strand). VCF-style: chr11-64804688-C-T. GRCh37 (hg19) VCF-style: chr11-64572160-C-T.
Other names: c.1494G>A, p.Pro498= (NM_000244.4, NM_130800.3, NM_130801.3 and 3 more transcripts); c.1605G>A, p.Pro535= (NM_001370251.2); c.1479G>A, p.Pro493= (NM_001370260.2, NM_001370261.2, NM_130799.3); c.1374G>A, p.Pro458= (NM_001370262.2, NM_001370263.2); c.1494G>A (NM_000244.3).
Identifiers: ClinVar variation 412577 (VCV000412577.23), dbSNP rs546721780, ClinGen allele CA060678.
Genomic context (GRCh38, chr11:64,804,688, plus strand): 5'-TCCTGACACTGCACCCTGGCCGGTGCCCAGGCCCTTGTCCAGTGCTGGCTTCTTGGGCGG[C>T]GGGGGCTCCTCTGGCTTGGACTCCCGCCGTGGGCCCCGCCGCCGGCCTTCCCGGGCTTCC-3'
Protein context (NP_001357188.2, residues 483-503): PRRESKPEEP[Pro493=]PPKKPALDKG

ClinVar aggregate classification (germline): Benign/Likely benign. Review status: criteria provided, multiple submitters, no conflicts (2 of 4 stars). 6 submissions from 6 submitters: Benign (1); Likely benign (4). 1 of the submissions does not count toward it. Last evaluated 2026-01-28.

Conditions:
Multiple endocrine neoplasia, type 1 (MEN1). Also called: MEA I; MEN I; WERMER SYNDROME; Endocrine adenomatosis multiple; MEN 1. Identifiers: Orphanet 652, MedGen C0025267, MeSH D018761, MONDO:0007540, OMIM 131100.
MEN1-related disorder. Also called: MEN1-related condition.
Hereditary cancer-predisposing syndrome. Also called: Hereditary neoplastic syndrome; Neoplastic Syndromes, Hereditary; Tumor predisposition; Hereditary Cancer Syndrome. Identifiers: Orphanet 140162, MedGen C0027672, MeSH D009386, MONDO:0015356.

Allele frequency attached by ClinVar (database versions not stated): gnomAD exomes 0.00001 and 0.00002; ExAC 0.00003; gnomAD 0.00003; 1000 Genomes Project 30x 0.00016; 1000 Genomes Project 0.00020; TOPMed 0.00027.
gnomAD v4.1: 30 of 1,594,068 alleles (0.0019%); highest among the groups gnomAD compares: Admixed American, 0.032%; no homozygotes.

Submissions (6):

Labcorp Genetics (formerly Invitae), Labcorp
Classification: Likely benign for Multiple endocrine neoplasia, type 1. Last evaluated: 2026-01-28. Review status: criteria provided, single submitter. Criteria: Invitae Variant Classification Sherloc (09022015). Collection method: clinical testing. Allele origin: germline.

Myriad Genetics, Inc.
Classification: Benign for Multiple endocrine neoplasia, type 1. Last evaluated: 2024-11-05. Review status: criteria provided, single submitter. Criteria: Myriad Autosomal Dominant, Autosomal Recessive and X-Linked Classification Criteria (2023). Collection method: clinical testing. Allele origin: unknown.
Comment: This variant is considered benign. This variant is a silent/synonymous amino acid change and it is not expected to impact splicing.

Color Diagnostics, LLC DBA Color Health
Classification: Likely benign for Multiple endocrine neoplasia, type 1. Last evaluated: 2022-11-06. Review status: criteria provided, single submitter. Criteria: ACMG Guidelines, 2015. Collection method: clinical testing. Allele origin: germline.

GeneDx
Classification: Likely benign. Last evaluated: 2019-12-23. Review status: criteria provided, single submitter. Criteria: GeneDx Variant Classification Process June 2021. Collection method: clinical testing. Allele origin: germline. Affected: yes.

Ambry Genetics
Classification: Likely benign for Hereditary cancer-predisposing syndrome. Last evaluated: 2015-09-18. Review status: criteria provided, single submitter. Criteria: Ambry Variant Classification Scheme 2023. Collection method: clinical testing. Allele origin: germline.

PreventionGenetics, part of Exact Sciences
Classification: Likely benign for MEN1-related condition. Last evaluated: 2019-10-15. Review status: no assertion criteria provided. Collection method: clinical testing. Allele origin: germline. Not counted in ClinVar's aggregate classification.
Comment: This variant is classified as likely benign based on ACMG/AMP sequence variant interpretation guidelines (Richards et al. 2015 PMID: 25741868, with internal and published modifications).